The following is an entry in ClinVar:

ClinVar aggregate classification (germline): Uncertain significance. Review status: criteria provided, multiple submitters, no conflicts (2 of 4 stars). 2 submissions from 2 submitters: Uncertain significance (2). Last evaluated 2025-01-06.

Conditions:
Long QT syndrome (LQTS). Identifiers: MedGen C0023976, MeSH D008133, MONDO:0002442. Disease mechanism: loss of function. Inheritance: Various modes of inheritance.
Timothy syndrome (TS). Also called: LONG QT SYNDROME WITH SYNDACTYLY. Identifiers: Orphanet 65283, MedGen C1832916, MeSH C536962, MONDO:0010979, OMIM 601005.
Brugada syndrome 3 (BRGDA3). Identifiers: Orphanet 130, MedGen C2678478, MONDO:0012742, OMIM 611875.
Long QT syndrome 8. Identifiers: MedGen CN260585, MONDO:0032756, OMIM 618447.

Allele frequency attached by ClinVar (database versions not stated): TOPMed below 0.00001.

Submissions (2):

Labcorp Genetics (formerly Invitae), Labcorp
Classification: Uncertain significance for Long QT syndrome. Last evaluated: 2025-01-06. Review status: criteria provided, single submitter. Criteria: Invitae Variant Classification Sherloc (09022015). Collection method: clinical testing. Allele origin: germline.
Comment: This sequence change replaces isoleucine, which is neutral and non-polar, with serine, which is neutral and polar, at codon 1914 of the CACNA1C protein (p.Ile1914Ser). This variant is not present in population databases (gnomAD no frequency). This variant has not been reported in the literature in individuals affected with CACNA1C-related conditions. ClinVar contains an entry for this variant (Variation ID: 638926). Invitae Evidence Modeling of protein sequence and biophysical properties (such as structural, functional, and spatial information, amino acid conservation, physicochemical variation, residue mobility, and thermodynamic stability) indicates that this missense variant is not expected to disrupt CACNA1C protein function with a negative predictive value of 95%. In summary, the available evidence is currently insufficient to determine the role of this variant in disease. Therefore, it has been classified as a Variant of Uncertain Significance.

Fulgent Genetics
Classification: Uncertain significance for Timothy syndrome; Brugada syndrome 3; Long QT syndrome 8. Last evaluated: 2021-10-01. Review status: criteria provided, single submitter. Criteria: ACMG Guidelines, 2015. Collection method: clinical testing. Allele origin: unknown.

NM_000719.7(CACNA1C):c.5741T>G (p.Ile1914Ser)

Genes: CACNA1C (calcium voltage-gated channel subunit alpha1 C; plus strand), CACNA1C-AS1 (CACNA1C antisense RNA 1; minus strand). Cytogenetic location: 12p13.33.
Variant type: single nucleotide variant.
Coding change: c.5741T>G on transcript NM_000719.7 (MANE Select); coding-DNA position 5741, T replaced by G.
Protein change: p.Ile1914Ser; replaces isoleucine 1914 with serine.
Molecular consequence: missense variant.
Genome position (GRCh38, 1-based): chr12:2,686,226, T>G. VCF-style: chr12-2686226-T-G. GRCh37 (hg19) VCF-style: chr12-2795392-T-G.
Other names: c.5885T>G, p.Ile1962Ser (NM_001129827.2); c.5864T>G, p.Ile1955Ser (NM_001129829.2); c.5846T>G, p.Ile1949Ser (NM_001129830.3, NM_001167624.3); c.5825T>G, p.Ile1942Ser (NM_001129831.2); c.5801T>G, p.Ile1934Ser (NM_001129832.2); c.5798T>G, p.Ile1933Ser (NM_001129833.2, NM_001129834.2, NM_001129835.2); c.5792T>G, p.Ile1931Ser (NM_001129836.2); c.5765T>G, p.Ile1922Ser (NM_001129837.2, NM_001129838.2); and 6 more; short protein forms I1911S, I1920S, I1962S, I1903S, I1914S, I1922S, I1949S, I1931S.
Identifiers: ClinVar variation 638926 (VCV000638926.10), dbSNP rs1603462676, ClinGen allele CA383382683.